The following is an entry in ClinVar:

NM_016507.4(CDK12):c.1433C>T (p.Thr478Ile)

Gene: CDK12 (cyclin dependent kinase 12; plus strand). Cytogenetic location: 17q12.
Variant type: single nucleotide variant.
Coding change: c.1433C>T on transcript NM_016507.4 (MANE Select); coding-DNA position 1433, C replaced by T.
Protein change: p.Thr478Ile; replaces threonine 478 with isoleucine.
Molecular consequence: missense variant.
Genome position (GRCh38, 1-based): chr17:39,471,265, C>T. VCF-style: chr17-39471265-C-T. GRCh37 (hg19) VCF-style: chr17-37627518-C-T.
Other names: c.1433C>T, p.Thr478Ile (NM_015083.4); short protein forms T478I.
Identifiers: ClinVar variation 4651371 (VCV004651371.1).
Genomic context (GRCh38, chr17:39,471,265, plus strand): 5'-CAGATACTGAACTGGTGAATGTAACACATCTAAACACAGAGGTAAAAAATTCTTCAGATA[C>T]AGGGAAAGTAAAGTTGGATGAGAACTCCGAGAAGCATCTTGTTAAAGATTTGAAAGCACA-3'
Protein context (NP_057591.2, residues 468-488): LNTEVKNSSD[Thr478Ile]GKVKLDENSE

ClinVar aggregate classification (germline): Uncertain significance (1 of 4 stars; one submission).

gnomAD v4.1: 1 of 1,611,940 alleles (0.000062%); highest among the groups gnomAD compares: Non-Finnish European, 0.000085%; no homozygotes.

Submission:

Ambry Genetics
Classification: Uncertain significance. Last evaluated: 2025-10-12. Review status: criteria provided, single submitter. Criteria: Ambry Variant Classification Scheme 2023. Collection method: clinical testing. Allele origin: germline.
Comment: The p.T478I variant (also known as c.1433C>T), located in coding exon 2 of the CDK12 gene, results from a C to T substitution at nucleotide position 1433. The threonine at codon 478 is replaced by isoleucine, an amino acid with similar properties. This amino acid position is conserved. In addition, this alteration is predicted to be tolerated by in silico analysis. Based on the available evidence, the clinical significance of this variant remains unclear.